The following is an entry in ClinVar:

NM_004614.5(TK2):c.310C>T (p.Arg104Cys)

Gene: TK2 (thymidine kinase 2; minus strand). Cytogenetic location: 16q21.
Variant type: single nucleotide variant.
Coding change: c.310C>T on transcript NM_004614.5 (MANE Select); coding-DNA position 310, C replaced by T.
Protein change: p.Arg104Cys; replaces arginine 104 with cysteine.
Molecular consequence: missense variant. On other transcripts: non-coding transcript variant (1).
Genome position (GRCh38, 1-based): chr16:66,531,445, G>A on the plus strand (C>T on the coding strand, the complement: TK2 is on the minus strand). VCF-style: chr16-66531445-G-A. GRCh37 (hg19) VCF-style: chr16-66565348-G-A.
Other names: c.217C>T, p.Arg73Cys (NM_001172643.1, NM_001271935.1); c.235C>T, p.Arg79Cys (NM_001172644.2); c.256C>T, p.Arg86Cys (NM_001172645.2); c.163C>T, p.Arg55Cys (NM_001271934.2); c.19C>T, p.Arg7Cys (NM_001272050.2); short protein forms R104C, R55C, R73C, R79C, R7C, R86C.
Identifiers: ClinVar variation 694439 (VCV000694439.14), dbSNP rs1194187379, ClinGen allele CA396190652.
Genomic context (GRCh38, chr16:66,531,445, plus strand): 5'-GACGAGTATGCCTGTCCAGCATGGTGAGCTGCACATAAGTCTGTAGCGTAAGACCCCAGC[G>A]AGAGGCATCGTGGTACATCAGGCCCTGCAGAAGGGAAAACACAGCACTTTCCATCAAAGT-3'
Protein context (NP_004605.4, residues 94-114): PLGLMYHDAS[Arg104Cys]WGLTLQTYVQ

ClinVar aggregate classification (germline): Pathogenic/Likely pathogenic. Review status: criteria provided, multiple submitters, no conflicts (2 of 4 stars). 6 submissions from 6 submitters: Pathogenic (2); Likely pathogenic (3). 1 of the submissions does not count toward it. Last evaluated 2025-11-24.

Conditions:
Mitochondrial disease. Also called: Mitochondrial disorder; Mitochondrial disorders. Identifiers: Orphanet 68380, MedGen C0751651, MeSH D028361, MONDO:0044970.
Mitochondrial DNA depletion syndrome. Also called: mitochondrial DNA depletion. Identifiers: Orphanet 35698, MedGen C0342782, MONDO:0018158.
Mitochondrial DNA depletion syndrome, myopathic form (MTDPS2). Also called: MITOCHONDRIAL DNA DEPLETION SYNDROME 2 (MYOPATHIC TYPE); MITOCHONDRIAL DNA DEPLETION MYOPATHY, TK2-RELATED; TK2-Related Mitochondrial DNA Maintenance Defect, Myopathic Form. Identifiers: Orphanet 254875, MedGen C3149750, MONDO:0012301, OMIM 609560.

Allele frequency attached by ClinVar (database versions not stated): TOPMed below 0.00001; gnomAD exomes 0.00001; gnomAD 0.00001.
gnomAD v4.1: 14 of 1,614,160 alleles (0.00087%); highest among the groups gnomAD compares: African/African-American, 0.0027%; no homozygotes.

Submissions (6):

Genomenon, Inc
Classification: Likely pathogenic for Mitochondrial disease. Last evaluated: 2025-11-24. Review status: criteria provided, single submitter. Criteria: Genomenon Sequence Variant Interpretation Standards - Updated. Collection method: curation. Allele origin: germline. Affected: yes.
Comment: TK2 p.Arg104Cys (c.310C>T) is a missense variant that changes the amino acid at residue 104 from Arginine to Cysteine. This variant has been observed in multiple probands affected with mitochondrial disease in the homozygous state (39382773, 33486010, 38259611). This variant is not present at a significant frequency in gnomAD. The presence of pathogenic/likely pathogenic missense variant(s) at the same amino acid position indicates that this residue is likely important for protein function. In conclusion, we classify TK2 p.Arg104Cys (c.310C>T) as a likely pathogenic variant.

GeneDx
Classification: Likely pathogenic. Last evaluated: 2025-03-12. Review status: criteria provided, single submitter. Criteria: GeneDx Variant Classification Process June 2021. Collection method: clinical testing. Allele origin: germline. Affected: yes.
Comment: In silico analysis supports that this missense variant has a deleterious effect on protein structure/function; Has been observed in two patients of Tajik ancestry in a cohort of patients with features of mtDNA maintenance disorders; however patient specific clinical information or zygosity was provided (PMID: 33486010); This variant is associated with the following publications: (PMID: 33486010)

Women's Health and Genetics/Laboratory Corporation of America, LabCorp
Classification: Pathogenic for Mitochondrial DNA depletion syndrome. Last evaluated: 2024-12-26. Review status: criteria provided, single submitter. Criteria: LabCorp Variant Classification Summary - May 2015. Collection method: clinical testing. Allele origin: germline.
Comment: Variant summary: TK2 c.310C>T (p.Arg104Cys) results in a non-conservative amino acid change located in the Deoxynucleoside kinase domain (IPR031314) of the encoded protein sequence. Five of five in-silico tools predict a damaging effect of the variant on protein function. The frequency data for this variant in gnomAD is considered unreliable, as metrics indicate poor data quality at this position. c.310C>T has been reported in the literature in multiple homozygous individuals affected with Mitochondrial DNA Depletion Syndrome - TK2 Related (Bychkov_2021, Marouane_2023). These data indicate that the variant is very likely to be associated with disease. To our knowledge, no experimental evidence demonstrating an impact on protein function has been reported. The following publications have been ascertained in the context of this evaluation (PMID: 33486010, 37993639, 39382773, 38259611). ClinVar contains an entry for this variant (Variation ID: 694439). Based on the evidence outlined above, the variant was classified as pathogenic.

Labcorp Genetics (formerly Invitae), Labcorp
Classification: Pathogenic. Last evaluated: 2024-11-18. Review status: criteria provided, single submitter. Criteria: Invitae Variant Classification Sherloc (09022015). Collection method: clinical testing. Allele origin: germline.
Comment: This sequence change replaces arginine, which is basic and polar, with cysteine, which is neutral and slightly polar, at codon 104 of the TK2 protein (p.Arg104Cys). This variant is not present in population databases (gnomAD no frequency). This missense change has been observed in individual(s) with TK2-related conditions (PMID: 33486010; internal data). In at least one individual the data is consistent with being in trans (on the opposite chromosome) from a pathogenic variant. ClinVar contains an entry for this variant (Variation ID: 694439). Invitae Evidence Modeling of protein sequence and biophysical properties (such as structural, functional, and spatial information, amino acid conservation, physicochemical variation, residue mobility, and thermodynamic stability) indicates that this missense variant is expected to disrupt TK2 protein function with a positive predictive value of 95%. This variant disrupts the p.Arg104 amino acid residue in TK2. Other variant(s) that disrupt this residue have been observed in individuals with TK2-related conditions (PMID: 29602790), which suggests that this may be a clinically significant amino acid residue. For these reasons, this variant has been classified as Pathogenic.

Laboratory of Inherited Metabolic Diseases, Research centre for medical genetics
Classification: Likely pathogenic for Mitochondrial DNA depletion syndrome, myopathic form. Last evaluated: 2019-07-17. Review status: criteria provided, single submitter. Criteria: ACMG Guidelines, 2015. Collection method: clinical testing. Allele origin: germline. Inheritance: Autosomal recessive inheritance. Affected: yes.
Comment: found in homozygous state

Revvity Omics, Revvity
Classification: Uncertain significance. Last evaluated: 2020-03-16. Review status: flagged submission. Criteria: ACMG Guidelines, 2015. Collection method: clinical testing. Allele origin: germline. Not counted in ClinVar's aggregate classification.
ClinVar note: Reason: Outlier claim with insufficient supporting evidence

Literature cited by the submitters: PubMed 39382773 (cited by Genomenon, Inc and Women's Health and Genetics/Laboratory Corporation of America, LabCorp); PubMed 33486010 (cited by 3 submitters); PubMed 38259611 (cited by Genomenon, Inc and Women's Health and Genetics/Laboratory Corporation of America, LabCorp); PubMed 37993639 (cited by Women's Health and Genetics/Laboratory Corporation of America, LabCorp); PubMed 29602790 (cited by Labcorp Genetics (formerly Invitae), Labcorp).